The following is an entry in ClinVar:

ClinVar aggregate classification (germline): Pathogenic/Likely pathogenic. Review status: criteria provided, multiple submitters, no conflicts (2 of 4 stars). 2 submissions from 2 submitters: Pathogenic (1); Likely pathogenic (1). Last evaluated 2025-02-15.

Conditions:
Pendred syndrome (PDS). Also called: Pendred's syndrome; DEAFNESS WITH GOITER; Pendred Syndrome (PDS); GOITER-DEAFNESS SYNDROME; HYPOTHYROIDISM, CONGENITAL, DUE TO DYSHORMONOGENESIS, 2B; THYROID DYSHORMONOGENESIS 2B. Identifiers: Orphanet 705, MedGen C0271829, MONDO:0010134, OMIM 274600.

Submissions (2):

Natera, Inc.
Classification: Likely pathogenic for Pendred syndrome. Last evaluated: 2025-02-15. Review status: criteria provided, single submitter. Criteria: Natera Variant Classification Schema (03/2026). Collection method: clinical testing. Allele origin: germline.
Comment: The c.1545T>A variant in SLC26A4 is a missense variant predicted to cause substitution of phenylalanine to leucine at amino acid 515. This variant is rare in the general population with a frequency below the threshold expected for the associated phenotype(s). This variant has been observed in one or more individuals affected with the associated recessive disease, as either homozygous or compound heterozygous with a second variant (PMID: 34943614). Additionally, this variant has been observed to segregate in affected family members (PMID: 34943614). Computational prediction algorithms indicate this variant is likely to affect gene or protein function. Given the available evidence, this variant is classified as Likely Pathogenic.

Labcorp Genetics (formerly Invitae), Labcorp
Classification: Pathogenic. Last evaluated: 2023-04-16. Review status: criteria provided, single submitter. Criteria: Invitae Variant Classification Sherloc (09022015). Collection method: clinical testing. Allele origin: germline.
Comment: An algorithm developed to predict the effect of missense changes on protein structure and function (PolyPhen-2) suggests that this variant is likely to be disruptive. For these reasons, this variant has been classified as Pathogenic. This sequence change replaces phenylalanine, which is neutral and non-polar, with leucine, which is neutral and non-polar, at codon 515 of the SLC26A4 protein (p.Phe515Leu). This variant is not present in population databases (gnomAD no frequency). This missense change has been observed in individual(s) with non-syndromic recessive deafness (PMID: 34943614). In at least one individual the data is consistent with being in trans (on the opposite chromosome) from a pathogenic variant. It has also been observed to segregate with disease in related individuals.

Literature cited by the submitters: PubMed 34943614 (cited by Natera, Inc. and Labcorp Genetics (formerly Invitae), Labcorp).

NM_000441.2(SLC26A4):c.1545T>A (p.Phe515Leu)

Gene: SLC26A4 (solute carrier family 26 member 4; plus strand). Cytogenetic location: 7q22.3.
Variant type: single nucleotide variant.
Coding change: c.1545T>A on transcript NM_000441.2 (MANE Select); coding-DNA position 1545, T replaced by A.
Protein change: p.Phe515Leu; replaces phenylalanine 515 with leucine.
Molecular consequence: missense variant.
Genome position (GRCh38, 1-based): chr7:107,698,042, T>A. VCF-style: chr7-107698042-T-A. GRCh37 (hg19) VCF-style: chr7-107338487-T-A.
Other names: c.1545T>A (NM_000441.1); short protein forms F515L.
Identifiers: ClinVar variation 2818686 (VCV002818686.4), dbSNP rs2535332435, ClinGen allele CA368841427.